The following is an entry in ClinVar:

NM_000256.3(MYBPC3):c.67G>A (p.Ala23Thr)

Gene: MYBPC3 (myosin binding protein C3; minus strand). Cytogenetic location: 11p11.2.
Variant type: single nucleotide variant.
Coding change: c.67G>A on transcript NM_000256.3 (MANE Select); coding-DNA position 67, G replaced by A.
Protein change: p.Ala23Thr; replaces alanine 23 with threonine.
Molecular consequence: missense variant.
Genome position (GRCh38, 1-based): chr11:47,351,464, C>T on the plus strand (G>A on the coding strand, the complement: MYBPC3 is on the minus strand). VCF-style: chr11-47351464-C-T. GRCh37 (hg19) VCF-style: chr11-47373015-C-T.
Other names: short protein forms A23T.
Identifiers: ClinVar variation 840377 (VCV000840377.14), dbSNP rs758044508, ClinGen allele CA056440.

ClinVar aggregate classification (germline): Conflicting classifications of pathogenicity. Review status: criteria provided, conflicting classifications (1 of 4 stars). 5 submissions from 5 submitters: Uncertain significance (3); Likely benign (2). Last evaluated 2025-08-14.

Conditions:
Cardiovascular phenotype. Identifiers: MedGen CN230736.
Cardiomyopathy (CMYO). Also called: Cardiomyopathies. Identifiers: Orphanet 167848, MedGen C0878544, MONDO:0004994, HP:0001638. Inheritance: Various modes of inheritance.
Hypertrophic cardiomyopathy. Also called: HYPERTROPHIC MYOCARDIOPATHY. Identifiers: Orphanet 217569, MedGen C0007194, MeSH D002312, MONDO:0005045, HP:0001639.

Allele frequency attached by ClinVar (database versions not stated): gnomAD exomes 0.00003; TOPMed 0.00002; ExAC 0.00002.
gnomAD v4.1: 28 of 1,597,532 alleles (0.0018%); highest among the groups gnomAD compares: South Asian, 0.023%; no homozygotes.

Submissions (5):

Color Diagnostics, LLC DBA Color Health
Classification: Likely benign for Cardiomyopathy. Last evaluated: 2025-08-14. Review status: criteria provided, single submitter. Criteria: ACMG Guidelines, 2015. Collection method: clinical testing. Allele origin: germline.

Ambry Genetics
Classification: Likely benign for Cardiovascular phenotype. Last evaluated: 2025-06-13. Review status: criteria provided, single submitter. Criteria: Ambry Variant Classification Scheme 2023. Collection method: clinical testing. Allele origin: germline.

Labcorp Genetics (formerly Invitae), Labcorp
Classification: Uncertain significance for Hypertrophic cardiomyopathy. Last evaluated: 2025-06-11. Review status: criteria provided, single submitter. Criteria: Invitae Variant Classification Sherloc (09022015). Collection method: clinical testing. Allele origin: germline.
Comment: This sequence change replaces alanine, which is neutral and non-polar, with threonine, which is neutral and polar, at codon 23 of the MYBPC3 protein (p.Ala23Thr). This variant is present in population databases (rs758044508, gnomAD 0.02%). This variant has not been reported in the literature in individuals affected with MYBPC3-related conditions. ClinVar contains an entry for this variant (Variation ID: 840377). An algorithm developed to predict the effect of missense changes on protein structure and function outputs the following: PolyPhen-2: "Benign". The threonine amino acid residue is found in multiple mammalian species, which suggests that this missense change does not adversely affect protein function. In summary, the available evidence is currently insufficient to determine the role of this variant in disease. Therefore, it has been classified as a Variant of Uncertain Significance.

Women's Health and Genetics/Laboratory Corporation of America, LabCorp
Classification: Uncertain significance. Last evaluated: 2025-06-10. Review status: criteria provided, single submitter. Criteria: LabCorp Variant Classification Summary - May 2015. Collection method: clinical testing. Allele origin: germline.
Comment: Variant summary: MYBPC3 c.67G>A (p.Ala23Thr) results in a non-conservative amino acid change in the encoded protein sequence. Algorithms developed to predict the effect of missense changes on protein structure and function are either unavailable or do not agree on the potential impact of this missense change. The variant allele was found at a frequency of 3e-05 in 236896 control chromosomes. The available data on variant occurrences in the general population are insufficient to allow any conclusion about variant significance. c.67G>A has been observed in individuals affected with arrhythmogenic cardiomyopathy or hypertrophic cardiomyopathy without evidence of causality (e.g. Lippi_2022, Magri_2020). These report(s) do not provide unequivocal conclusions about association of the variant with Cardiomyopathy. To our knowledge, no experimental evidence demonstrating an impact on protein function has been reported. ClinVar contains an entry for this variant (Variation ID: 840377). Based on the evidence outlined above, the variant was classified as uncertain significance.

All of Us Research Program, National Institutes of Health
Classification: Uncertain significance for Hypertrophic cardiomyopathy. Last evaluated: 2023-06-26. Review status: criteria provided, single submitter. Criteria: ACMG Guidelines, 2015. Collection method: clinical testing. Allele origin: germline. Inheritance: Autosomal dominant inheritance. Observed: 1 variant allele, 1 heterozygote.
Comment: This missense variant replaces alanine with threonine at codon 23 of the MYBPC3 protein. Computational prediction suggests that this variant may not impact protein structure and function (internally defined REVEL score threshold <= 0.5, PMID: 27666373). To our knowledge, functional studies have not been reported for this variant. This variant has not been reported in individuals affected with cardiovascular disorders in the literature. This variant has been identified in 8/268284 chromosomes in the general population by the Genome Aggregation Database (gnomAD). The available evidence is insufficient to determine the role of this variant in disease conclusively. Therefore, this variant is classified as a Variant of Uncertain Significance.

This study involves interpretation of variants in research participants for the purpose of population health screening. Participant phenotype was not available at the time of variant classification. Additional details can be found in publication PMID: 35346344, PMCID: PMC8962531

Literature cited by the submitters: PubMed 32481709 (cited by Women's Health and Genetics/Laboratory Corporation of America, LabCorp); PubMed 36008935 (cited by Women's Health and Genetics/Laboratory Corporation of America, LabCorp).